The following is an entry in ClinVar:

ClinVar aggregate classification (germline): Uncertain significance (1 of 4 stars; one submission).

Conditions:
Cardiovascular phenotype. Identifiers: MedGen CN230736.

Allele frequency attached by ClinVar (database versions not stated): gnomAD exomes below 0.00001; gnomAD 0.00001.
gnomAD v4.1: 3 of 1,613,872 alleles (0.00019%); highest among the groups gnomAD compares: Admixed American, 0.0017%; no homozygotes.

Submission:

Ambry Genetics
Classification: Uncertain significance for Cardiovascular phenotype. Last evaluated: 2023-03-06. Review status: criteria provided, single submitter. Criteria: Ambry Variant Classification Scheme 2023. Collection method: clinical testing. Allele origin: germline.
Comment: The p.I738V variant (also known as c.2212A>G), located in coding exon 17 of the MYH6 gene, results from an A to G substitution at nucleotide position 2212. The isoleucine at codon 738 is replaced by valine, an amino acid with highly similar properties. This amino acid position is conserved. In addition, the in silico prediction for this alteration is inconclusive. Since supporting evidence is limited at this time, the clinical significance of this alteration remains unclear.

NM_002471.4(MYH6):c.2212A>G (p.Ile738Val)

Gene: MYH6 (myosin heavy chain 6; minus strand). Cytogenetic location: 14q11.2.
Variant type: single nucleotide variant.
Coding change: c.2212A>G on transcript NM_002471.4 (MANE Select); coding-DNA position 2212, A replaced by G.
Protein change: p.Ile738Val; replaces isoleucine 738 with valine.
Molecular consequence: missense variant.
Genome position (GRCh38, 1-based): chr14:23,396,774, T>C on the plus strand (A>G on the coding strand, the complement: MYH6 is on the minus strand). VCF-style: chr14-23396774-T-C. GRCh37 (hg19) VCF-style: chr14-23865983-T-C.
Other names: short protein forms I738V.
Identifiers: ClinVar variation 2452931 (VCV002452931.2), dbSNP rs1401647299, ClinGen allele CA389017113.
Genomic context (GRCh38, chr14:23,396,774, plus strand): 5'-ACTGGTTGTGATCAATGTCCAGAGAGCTGAGCAGCTTCTCTGTCCCCTTCCTGCTATCAA[T>C]GAACTGTCCCTCAGGGATGGCCACTGGGTTCAGGATGCGATACCTGAGGAGGGAAGTGTC-3'
Protein context (NP_002462.2, residues 728-748): NPVAIPEGQF[Ile738Val]DSRKGTEKLL